The following is an entry in ClinVar:

ClinVar aggregate classification (germline): Uncertain significance (1 of 4 stars; one submission).

Conditions:
Stormorken syndrome (STRMK). Also called: THROMBOCYTOPATHY, ASPLENIA, AND MIOSIS. Identifiers: Orphanet 3204, MedGen C1861451, MONDO:0008497, OMIM 185070.
Combined immunodeficiency due to STIM1 deficiency. Also called: IMMUNODEFICIENCY 10; STIM1 DEFICIENCY. Identifiers: Orphanet 169090, Orphanet 317430, MedGen C2748557, MONDO:0013008, OMIM 612783.
Myopathy with tubular aggregates (TAM). Also called: Tubular Aggregate Myopathy. Identifiers: Orphanet 2593, MedGen C0410207, MONDO:0008051.

Submission:

Labcorp Genetics (formerly Invitae), Labcorp
Classification: Uncertain significance for Myopathy with tubular aggregates; Combined immunodeficiency due to STIM1 deficiency; Stormorken syndrome. Last evaluated: 2025-07-06. Review status: criteria provided, single submitter. Criteria: Invitae Variant Classification Sherloc (09022015). Collection method: clinical testing. Allele origin: germline.
Comment: This sequence change replaces histidine, which is basic and polar, with glutamine, which is neutral and polar, at codon 105 of the STIM1 protein (p.His105Gln). This variant is not present in population databases (gnomAD no frequency). This variant has not been reported in the literature in individuals affected with STIM1-related conditions. Invitae Evidence Modeling of protein sequence and biophysical properties (such as structural, functional, and spatial information, amino acid conservation, physicochemical variation, residue mobility, and thermodynamic stability) has been performed for this missense variant. However, the output from this modeling did not meet the statistical confidence thresholds required to predict the impact of this variant on STIM1 protein function. In summary, the available evidence is currently insufficient to determine the role of this variant in disease. Therefore, it has been classified as a Variant of Uncertain Significance.

NM_001382567.1(STIM1):c.315C>G (p.His105Gln)

Gene: STIM1 (stromal interaction molecule 1; plus strand). Cytogenetic location: 11p15.4.
Variant type: single nucleotide variant.
Coding change: c.315C>G on transcript NM_001382567.1 (MANE Select); coding-DNA position 315, C replaced by G.
Protein change: p.His105Gln; replaces histidine 105 with glutamine.
Molecular consequence: missense variant. On other transcripts: 5 prime UTR variant (3), non-coding transcript variant (3).
Genome position (GRCh38, 1-based): chr11:4,023,917, C>G. VCF-style: chr11-4023917-C-G. GRCh37 (hg19) VCF-style: chr11-4045147-C-G.
Other names: c.315C>G, p.His105Gln (NM_001277961.3, NM_001277962.2, NM_003156.4 and 3 more transcripts); c.93C>G, p.His31Gln (NM_001382566.1, NM_001382577.1, NM_001382578.1 and 5 more transcripts); c.-175C>G (NM_001382580.1, NM_001382581.1); c.180C>G, p.His60Gln (NM_001382569.1); c.-54C>G (NM_001382571.1); short protein forms H31Q, H60Q, H105Q.
Identifiers: ClinVar variation 4783676 (VCV004783676.1).
Genomic context (GRCh38, chr11:4,023,917, plus strand): 5'-TACTTTTCCCTTGCAGTTCCTGAGGGAAGACCTCAATTACCATGACCCAACAGTGAAACA[C>G]AGCACCTTCCATGGTGAGGATAAGCTCATCAGCGTGGAGGACCTGTGGAAGGCATGGAAG-3'
Protein context (NP_001369496.1, residues 95-115): DLNYHDPTVK[His105Gln]STFHGEDKLI